The following is an entry in ClinVar:

NM_004933.3(CDH15):c.938C>T (p.Thr313Met)

Gene: CDH15 (cadherin 15; plus strand). Cytogenetic location: 16q24.3.
Variant type: single nucleotide variant.
Coding change: c.938C>T on transcript NM_004933.3 (MANE Select); coding-DNA position 938, C replaced by T.
Protein change: p.Thr313Met; replaces threonine 313 with methionine.
Molecular consequence: missense variant.
Genome position (GRCh38, 1-based): chr16:89,188,245, C>T. VCF-style: chr16-89188245-C-T. GRCh37 (hg19) VCF-style: chr16-89254653-C-T.
Other names: short protein forms T313M.
Identifiers: ClinVar variation 2647028 (VCV002647028.24), dbSNP rs758656978, ClinGen allele CA8239054.

ClinVar aggregate classification (germline): Likely benign (1 of 4 stars; one submission).

Allele frequency attached by ClinVar (database versions not stated): gnomAD 0.00001.
gnomAD v4.1: 12 of 1,613,388 alleles (0.00074%); highest among the groups gnomAD compares: East Asian, 0.0022%; no homozygotes.

Submission:

CeGaT Center for Human Genetics Tuebingen
Classification: Likely benign. Last evaluated: 2023-09-01. Review status: criteria provided, single submitter. Criteria: CeGaT Center For Human Genetics Tuebingen Variant Classification Criteria Version 2. Collection method: clinical testing. Allele origin: germline. Affected: yes. Observed: 1 variant allele.
Comment: CDH15: BP4